The following is an entry in ClinVar:

ClinVar aggregate classification (germline): Benign/Likely benign. Review status: criteria provided, multiple submitters, no conflicts (2 of 4 stars). 5 submissions from 5 submitters: Benign (2); Likely benign (2). 1 of the submissions does not count toward it. Last evaluated 2026-08-01.

Conditions:
MTOR-related disorder. Also called: MTOR-related condition.

Allele frequency attached by ClinVar (database versions not stated): gnomAD exomes 0.00009 and 0.00023; ExAC 0.00027; 1000 Genomes Project 30x 0.00031; 1000 Genomes Project 0.00040; gnomAD 0.00073 and 0.00085; TOPMed 0.00083; ESP Exome Variant Server 0.00115.
gnomAD v4.1: 261 of 1,614,198 alleles (0.016%); highest among the groups gnomAD compares: African/African-American, 0.28%; 2 homozygotes.

Submissions (5):

CeGaT Center for Human Genetics Tuebingen
Classification: Likely benign. Last evaluated: 2026-08-01. Review status: criteria provided, single submitter. Criteria: CeGaT Center For Human Genetics Tuebingen Variant Classification Criteria Version 2. Collection method: clinical testing. Allele origin: germline. Affected: yes. Observed: 2 variant alleles.
Comment: MTOR: BP4, BS1

Labcorp Genetics (formerly Invitae), Labcorp
Classification: Benign. Last evaluated: 2026-01-26. Review status: criteria provided, single submitter. Criteria: Invitae Variant Classification Sherloc (09022015). Collection method: clinical testing. Allele origin: germline.

Blueprint Genetics
Classification: Likely benign. Last evaluated: 2024-09-16. Review status: criteria provided, single submitter. Criteria: ACMG Guidelines, 2015. Collection method: clinical testing. Allele origin: germline.

GeneDx
Classification: Benign. Last evaluated: 2020-02-04. Review status: criteria provided, single submitter. Criteria: GeneDx Variant Classification Process June 2021. Collection method: clinical testing. Allele origin: germline. Affected: yes.

PreventionGenetics, part of Exact Sciences
Classification: Likely benign for MTOR-related condition. Last evaluated: 2020-01-08. Review status: no assertion criteria provided. Collection method: clinical testing. Allele origin: germline. Not counted in ClinVar's aggregate classification.
Comment: This variant is classified as likely benign based on ACMG/AMP sequence variant interpretation guidelines (Richards et al. 2015 PMID: 25741868, with internal and published modifications).

NM_004958.4(MTOR):c.2301C>T (p.Leu767=)

Gene: MTOR (mechanistic target of rapamycin kinase; minus strand). Cytogenetic location: 1p36.22.
Variant type: single nucleotide variant.
Coding change: c.2301C>T on transcript NM_004958.4 (MANE Select); coding-DNA position 2301, C replaced by T.
Protein change: p.Leu767=; no amino-acid change (leucine 767 retained).
Molecular consequence: synonymous variant.
Genome position (GRCh38, 1-based): chr1:11,234,173, G>A on the plus strand (C>T on the coding strand, the complement: MTOR is on the minus strand). VCF-style: chr1-11234173-G-A. GRCh37 (hg19) VCF-style: chr1-11294230-G-A.
Identifiers: ClinVar variation 696484 (VCV000696484.22), dbSNP rs149428637, ClinGen allele CA590532.